The following is an entry in ClinVar:

NM_000693.4(ALDH1A3):c.1458C>T (p.Gly486=)

Genes: ALDH1A3 (aldehyde dehydrogenase 1 family member A3; plus strand), ALDH1A3-AS1 (ALDH1A3 antisense RNA 1; minus strand). Cytogenetic location: 15q26.3.
Variant type: single nucleotide variant.
Coding change: c.1458C>T on transcript NM_000693.4 (MANE Select); coding-DNA position 1458, C replaced by T.
Protein change: p.Gly486=; no amino-acid change (glycine 486 retained).
Molecular consequence: synonymous variant.
Genome position (GRCh38, 1-based): chr15:100,908,474, C>T. VCF-style: chr15-100908474-C-T. GRCh37 (hg19) VCF-style: chr15-101448679-C-T.
Other names: c.1137C>T, p.Gly379= (NM_001293815.2).
Identifiers: ClinVar variation 3042508 (VCV003042508.2), dbSNP rs200617229, ClinGen allele CA7760392.

ClinVar aggregate classification (germline): Likely benign (0 of 4 stars; one submission).

Conditions:
ALDH1A3-related disorder. Also called: ALDH1A3-related condition.

Allele frequency attached by ClinVar (database versions not stated): TOPMed 0.00001; gnomAD 0.00010; 1000 Genomes Project 30x 0.00047; 1000 Genomes Project 0.00060.
gnomAD v4.1: 155 of 1,612,028 alleles (0.0096%); highest among the groups gnomAD compares: South Asian, 0.16%; 1 homozygote.

Submission:

PreventionGenetics, part of Exact Sciences
Classification: Likely benign for ALDH1A3-related condition. Last evaluated: 2019-07-01. Review status: no assertion criteria provided. Collection method: clinical testing. Allele origin: germline.
Comment: This variant is classified as likely benign based on ACMG/AMP sequence variant interpretation guidelines (Richards et al. 2015 PMID: 25741868, with internal and published modifications).